The following is an entry in ClinVar:

ClinVar aggregate classification (germline): Uncertain significance (1 of 4 stars; one submission).

Conditions:
Tuberous sclerosis 2 (TSC2). Identifiers: Orphanet 805, MedGen C1860707, MONDO:0013199, OMIM 613254.

Submission:

Labcorp Genetics (formerly Invitae), Labcorp
Classification: Uncertain significance for Tuberous sclerosis 2. Last evaluated: 2020-12-03. Review status: criteria provided, single submitter. Criteria: Invitae Variant Classification Sherloc (09022015). Collection method: clinical testing. Allele origin: germline.
Comment: In summary, the available evidence is currently insufficient to determine the role of this variant in disease. Therefore, it has been classified as a Variant of Uncertain Significance. Algorithms developed to predict the effect of missense changes on protein structure and function output the following: SIFT: "Tolerated"; PolyPhen-2: "Benign"; Align-GVGD: "Class C0". The tyrosine amino acid residue is found in multiple mammalian species, suggesting that this missense change does not adversely affect protein function. These predictions have not been confirmed by published functional studies and their clinical significance is uncertain. This variant has not been reported in the literature in individuals with TSC2-related conditions. This variant is not present in population databases (ExAC no frequency). This sequence change replaces serine with tyrosine at codon 1121 of the TSC2 protein (p.Ser1121Tyr). The serine residue is weakly conserved and there is a large physicochemical difference between serine and tyrosine.

NM_000548.5(TSC2):c.3362C>A (p.Ser1121Tyr)

Gene: TSC2 (TSC complex subunit 2; plus strand). Cytogenetic location: 16p13.3.
Variant type: single nucleotide variant.
Coding change: c.3362C>A on transcript NM_000548.5 (MANE Select); coding-DNA position 3362, C replaced by A.
Protein change: p.Ser1121Tyr; replaces serine 1121 with tyrosine.
Molecular consequence: missense variant.
Genome position (GRCh38, 1-based): chr16:2,079,634, C>A. VCF-style: chr16-2079634-C-A. GRCh37 (hg19) VCF-style: chr16-2129635-C-A.
Other names: c.3230C>A, p.Ser1077Tyr (NM_001077183.3, NM_001370404.1); c.3362C>A, p.Ser1121Tyr (NM_001114382.3); c.3122C>A, p.Ser1041Tyr (NM_001318827.2); c.3086C>A, p.Ser1029Tyr (NM_001318829.2); c.2630C>A, p.Ser877Tyr (NM_001318831.2); c.3263C>A, p.Ser1088Tyr (NM_001318832.2); c.3233C>A, p.Ser1078Tyr (NM_001363528.2, NM_001370405.1, NM_021055.3); short protein forms S1077Y, S1088Y, S1029Y, S877Y, S1041Y, S1078Y, S1121Y.
Identifiers: ClinVar variation 1522638 (VCV001522638.8), dbSNP rs1596386254, ClinGen allele CA394286669.
Genomic context (GRCh38, chr16:2,079,634, plus strand): 5'-ATGTGAGACAGACCAAGGAGGCGCCGGCCAAGCTGGAGTCCCAGGCTGGGCAGCAGGTGT[C>A]CCGTGGGGCCCGGGATCGGGTCCGTTCCATGTCGGGTGAGCCTTGGCCCCAGCCACCTCC-3'
Protein context (NP_000539.2, residues 1111-1131): KLESQAGQQV[Ser1121Tyr]RGARDRVRSM